The following is an entry in ClinVar:

NM_000203.5(IDUA):c.667G>A (p.Asp223Asn)

Gene: IDUA (alpha-L-iduronidase; plus strand). Cytogenetic location: 4p16.3.
Variant type: single nucleotide variant.
Coding change: c.667G>A on transcript NM_000203.5 (MANE Select); coding-DNA position 667, G replaced by A.
Protein change: p.Asp223Asn; replaces aspartic acid 223 with asparagine.
Molecular consequence: missense variant. On other transcripts: non-coding transcript variant (1).
Genome position (GRCh38, 1-based): chr4:1,001,756, G>A. VCF-style: chr4-1001756-G-A. GRCh37 (hg19) VCF-style: chr4-995544-G-A.
Other names: c.271G>A, p.Asp91Asn (NM_001363576.1); short protein forms D223N, D91N.
Identifiers: ClinVar variation 426817 (VCV000426817.14), dbSNP rs183347428, ClinGen allele CA2802050.
Genomic context (GRCh38, chr4:1,001,756, plus strand): 5'-GATGCCTGCTCGGAGGGTCTGCGCGCCGCCAGCCCCGCCCTGCGGCTGGGAGGCCCCGGC[G>A]ACTCCTTCCACACCCCACCGCGATCCCCGCTGAGCTGGGGCCTCCTGCGCCACTGCCACG-3'
Protein context (NP_000194.2, residues 213-233): SPALRLGGPG[Asp223Asn]SFHTPPRSPL

ClinVar aggregate classification (germline): Benign/Likely benign; other. Review status: criteria provided, multiple submitters, no conflicts (2 of 4 stars). 6 submissions from 6 submitters: Benign (1); Likely benign (1). 3 of the submissions do not count toward it. Last evaluated 2021-11-19.

Conditions:
Inborn genetic diseases. Identifiers: MedGen C0950123, MeSH D030342.
Mucopolysaccharidosis type 1. Also called: IDUA deficiency; MPS I. Identifiers: Orphanet 579, MedGen C0023786, MONDO:0001586.

Allele frequency attached by ClinVar (database versions not stated): ExAC 0.00058; gnomAD 0.00166; ESP Exome Variant Server 0.00179; 1000 Genomes Project 0.00260; 1000 Genomes Project 30x 0.00312; gnomAD exomes 0.00036; TOPMed 0.00201.
gnomAD v4.1: 529 of 1,598,148 alleles (0.033%); highest among the groups gnomAD compares: African/African-American, 0.64%; 3 homozygotes.

Submissions (6):

Ambry Genetics
Classification: Likely benign for Inborn genetic diseases. Last evaluated: 2021-11-19. Review status: criteria provided, single submitter. Criteria: Ambry Variant Classification Scheme 2023. Collection method: clinical testing. Allele origin: germline.

Labcorp Genetics (formerly Invitae), Labcorp
Classification: other for Mucopolysaccharidosis type I. Last evaluated: 2018-12-19. Review status: criteria provided, single submitter. Criteria: Invitae Variant Classification Sherloc (09022015). Collection method: clinical testing. Allele origin: germline.

GeneDx
Classification: Benign. Last evaluated: 2018-09-28. Review status: criteria provided, single submitter. Criteria: GeneDx Variant Classification Process June 2021. Collection method: clinical testing. Allele origin: germline. Affected: yes.
Comment: This variant is associated with the following publications: (PMID: 27939258, 27238910)

Natera, Inc.
Classification: Benign for Mucopolysaccharidosis type I. Last evaluated: 2020-04-23. Review status: no assertion criteria provided. Collection method: clinical testing. Allele origin: germline. Not counted in ClinVar's aggregate classification.

Mayo Clinic Laboratories, Mayo Clinic
Classification: Uncertain significance. Last evaluated: 2017-05-16. Review status: no assertion criteria provided. Collection method: clinical testing. Allele origin: unknown. Not counted in ClinVar's aggregate classification.

GeneReviews
No classification provided. Condition: Mucopolysaccharidosis type 1. Review status: no classification provided. Collection method: literature only. Allele origin: germline. Not counted in ClinVar's aggregate classification.
Comment: Pseudodeficiency variants

Literature cited by the submitters: NCBI Bookshelf NBK1162 (cited by GeneReviews).